The following is an entry in ClinVar:

NM_001184.4(ATR):c.6080A>G (p.Asp2027Gly)

Genes: ATR (ATR checkpoint kinase; minus strand), LOC126806830 (BRD4-independent group 4 enhancer GRCh37_chr3:142203676-142204875; plus strand). Cytogenetic location: 3q23.
Variant type: single nucleotide variant.
Coding change: c.6080A>G on transcript NM_001184.4 (MANE Select); coding-DNA position 6080, A replaced by G.
Protein change: p.Asp2027Gly; replaces aspartic acid 2027 with glycine.
Molecular consequence: missense variant.
Genome position (GRCh38, 1-based): chr3:142,485,281, T>C on the plus strand (A>G on the coding strand, the complement: ATR is on the minus strand). VCF-style: chr3-142485281-T-C. GRCh37 (hg19) VCF-style: chr3-142204123-T-C.
Other names: c.5888A>G, p.Asp1963Gly (NM_001354579.2); short protein forms D2027G, D1963G.
Identifiers: ClinVar variation 2888672 (VCV002888672.3), dbSNP rs1205477740, ClinGen allele CA354809833.

ClinVar aggregate classification (germline): Uncertain significance (1 of 4 stars; one submission).

Allele frequency attached by ClinVar (database versions not stated): TOPMed below 0.00001.

Submission:

Labcorp Genetics (formerly Invitae), Labcorp
Classification: Uncertain significance. Last evaluated: 2023-11-12. Review status: criteria provided, single submitter. Criteria: Invitae Variant Classification Sherloc (09022015). Collection method: clinical testing. Allele origin: germline.
Comment: This sequence change replaces aspartic acid, which is acidic and polar, with glycine, which is neutral and non-polar, at codon 2027 of the ATR protein (p.Asp2027Gly). This variant is present in population databases (no rsID available, gnomAD 0.006%). This variant has not been reported in the literature in individuals affected with ATR-related conditions. An algorithm developed to predict the effect of missense changes on protein structure and function (PolyPhen-2) suggests that this variant is likely to be tolerated. In summary, the available evidence is currently insufficient to determine the role of this variant in disease. Therefore, it has been classified as a Variant of Uncertain Significance.